The following is an entry in ClinVar:

ClinVar aggregate classification (germline): Uncertain significance. Review status: criteria provided, multiple submitters, no conflicts (2 of 4 stars). 2 submissions from 2 submitters: Uncertain significance (2). Last evaluated 2025-06-15.

Conditions:
Renal cell carcinoma. Identifiers: Orphanet 217071, MedGen C0007134, MeSH D002292, MONDO:0005086, HP:0005584.
Hereditary cancer-predisposing syndrome. Also called: Hereditary neoplastic syndrome; Neoplastic Syndromes, Hereditary; Tumor predisposition; Hereditary Cancer Syndrome. Identifiers: Orphanet 140162, MedGen C0027672, MeSH D009386, MONDO:0015356.

Allele frequency attached by ClinVar (database versions not stated): gnomAD exomes below 0.00001 and 0.00001; ExAC 0.00002.
gnomAD v4.1: 3 of 1,613,994 alleles (0.00019%); highest among the groups gnomAD compares: South Asian, 0.0011%; no homozygotes.

Submissions (2):

Labcorp Genetics (formerly Invitae), Labcorp
Classification: Uncertain significance for Renal cell carcinoma. Last evaluated: 2025-06-15. Review status: criteria provided, single submitter. Criteria: Invitae Variant Classification Sherloc (09022015). Collection method: clinical testing. Allele origin: germline.
Comment: This sequence change replaces proline, which is neutral and non-polar, with histidine, which is basic and polar, at codon 1384 of the MET protein (p.Pro1384His). This variant is present in population databases (rs778084120, gnomAD 0.006%). This variant has not been reported in the literature in individuals affected with MET-related conditions. ClinVar contains an entry for this variant (Variation ID: 837183). Invitae Evidence Modeling of protein sequence and biophysical properties (such as structural, functional, and spatial information, amino acid conservation, physicochemical variation, residue mobility, and thermodynamic stability) has been performed for this missense variant. However, the output from this modeling did not meet the statistical confidence thresholds required to predict the impact of this variant on MET protein function. In summary, the available evidence is currently insufficient to determine the role of this variant in disease. Therefore, it has been classified as a Variant of Uncertain Significance.

Ambry Genetics
Classification: Uncertain significance for Hereditary cancer-predisposing syndrome. Last evaluated: 2025-05-09. Review status: criteria provided, single submitter. Criteria: Ambry Variant Classification Scheme 2023. Collection method: clinical testing. Allele origin: germline.
Comment: The p.P1384H variant (also known as c.4151C>A), located in coding exon 20 of the MET gene, results from a C to A substitution at nucleotide position 4151. The proline at codon 1384 is replaced by histidine, an amino acid with similar properties. This amino acid position is highly conserved in available vertebrate species. In addition, the in silico prediction for this alteration is inconclusive. Since supporting evidence is limited at this time, the clinical significance of this alteration remains unclear.

NM_000245.4(MET):c.4097C>A (p.Pro1366His)

Gene: MET (MET proto-oncogene, receptor tyrosine kinase; plus strand). Cytogenetic location: 7q31.2.
Variant type: single nucleotide variant.
Coding change: c.4097C>A on transcript NM_000245.4 (MANE Select); coding-DNA position 4097, C replaced by A.
Protein change: p.Pro1366His; replaces proline 1366 with histidine.
Molecular consequence: missense variant.
Genome position (GRCh38, 1-based): chr7:116,796,048, C>A. VCF-style: chr7-116796048-C-A. GRCh37 (hg19) VCF-style: chr7-116436102-C-A.
Other names: c.4151C>A, p.Pro1384His (NM_001127500.3); c.2807C>A, p.Pro936His (NM_001324402.2); short protein forms P1366H, P936H, P1384H.
Identifiers: ClinVar variation 837183 (VCV000837183.11), dbSNP rs778084120, ClinGen allele CA4448828.
Genomic context (GRCh38, chr7:116,796,048, plus strand): 5'-GGGAGCACTATGTCCATGTGAACGCTACTTATGTGAACGTAAAATGTGTCGCTCCGTATC[C>A]TTCTCTGTTGTCATCAGAAGATAACGCTGATGATGAGGTGGACACACGACCAGCCTCCTT-3'
Protein context (NP_000236.2, residues 1356-1376): YVNVKCVAPY[Pro1366His]SLLSSEDNAD